The following is an entry in ClinVar:

NM_005633.4(SOS1):c.3235G>A (p.Ala1079Thr)

Gene: SOS1 (SOS Ras/Rac guanine nucleotide exchange factor 1; minus strand). Cytogenetic location: 2p22.1.
Variant type: single nucleotide variant.
Coding change: c.3235G>A on transcript NM_005633.4 (MANE Select); coding-DNA position 3235, G replaced by A.
Protein change: p.Ala1079Thr; replaces alanine 1079 with threonine.
Molecular consequence: missense variant.
Genome position (GRCh38, 1-based): chr2:38,995,234, C>T on the plus strand (G>A on the coding strand, the complement: SOS1 is on the minus strand). VCF-style: chr2-38995234-C-T. GRCh37 (hg19) VCF-style: chr2-39222375-C-T.
Other names: c.3214G>A, p.Ala1072Thr (NM_001382394.1); c.3235G>A, p.Ala1079Thr (NM_001382395.1); short protein forms A1072T, A1079T.
Identifiers: ClinVar variation 1015798 (VCV001015798.9), dbSNP rs1668854594, ClinGen allele CA346360677.

ClinVar aggregate classification (germline): Uncertain significance (1 of 4 stars; one submission).

Conditions:
RASopathy. Also called: rasopathies; Noonan spectrum disorder. Identifiers: Orphanet 536391, MedGen C5555857, MONDO:0021060.

Submission:

Labcorp Genetics (formerly Invitae), Labcorp
Classification: Uncertain significance for RASopathy. Last evaluated: 2026-01-05. Review status: criteria provided, single submitter. Criteria: Invitae Variant Classification Sherloc (09022015). Collection method: clinical testing. Allele origin: germline.
Comment: This sequence change replaces alanine, which is neutral and non-polar, with threonine, which is neutral and polar, at codon 1079 of the SOS1 protein (p.Ala1079Thr). This variant is not present in population databases (gnomAD no frequency). This variant has not been reported in the literature in individuals affected with SOS1-related conditions. ClinVar contains an entry for this variant (Variation ID: 1015798). Invitae Evidence Modeling of protein sequence and biophysical properties (such as structural, functional, and spatial information, amino acid conservation, physicochemical variation, residue mobility, and thermodynamic stability) indicates that this missense variant is not expected to disrupt SOS1 protein function with a negative predictive value of 95%. In summary, the available evidence is currently insufficient to determine the role of this variant in disease. Therefore, it has been classified as a Variant of Uncertain Significance.